The following is an entry in ClinVar:

NM_017827.4(SARS2):c.1200C>A (p.Ala400=)

Gene: SARS2 (seryl-tRNA synthetase 2, mitochondrial; minus strand). Cytogenetic location: 19q13.2.
Variant type: single nucleotide variant.
Coding change: c.1200C>A on transcript NM_017827.4 (MANE Select); coding-DNA position 1200, C replaced by A.
Protein change: p.Ala400=; no amino-acid change (alanine 400 retained).
Molecular consequence: synonymous variant.
Genome position (GRCh38, 1-based): chr19:38,916,275, G>T on the plus strand (C>A on the coding strand, the complement: SARS2 is on the minus strand). VCF-style: chr19-38916275-G-T. GRCh37 (hg19) VCF-style: chr19-39406915-G-T.
Other names: c.1206C>A, p.Ala402= (NM_001145901.2).
Identifiers: ClinVar variation 4534744 (VCV004534744.6).

ClinVar aggregate classification (germline): Likely benign (1 of 4 stars; one submission).

Submission:

CeGaT Center for Human Genetics Tuebingen
Classification: Likely benign. Last evaluated: 2026-03-01. Review status: criteria provided, single submitter. Criteria: CeGaT Center For Human Genetics Tuebingen Variant Classification Criteria Version 2. Collection method: clinical testing. Allele origin: germline. Affected: yes. Observed: 3 variant alleles.
Comment: SARS2: PM2:Supporting, BP4, BP7